The following is an entry in ClinVar:

ClinVar aggregate classification (germline): Uncertain significance (1 of 4 stars; one submission).

Conditions:
Frontotemporal dementia and/or amyotrophic lateral sclerosis 1 (FTDALS1). Also called: Frontotemporal dementia with motor neuron disease 1; C9orf72 Frontotemporal Dementia and/or Amyotrophic Lateral Sclerosis. Identifiers: Orphanet 275872, MedGen C5779877, MONDO:0007105, OMIM 105550.
Paget disease of bone 2, early-onset (PDB2). Also called: Paget disease of bone 2. Identifiers: MedGen C4085251, MONDO:0011183, OMIM 602080.

Allele frequency attached by ClinVar (database versions not stated): gnomAD exomes 0.00001 and 0.00002; ExAC 0.00002; gnomAD 0.00003 and 0.00004; TOPMed 0.00003; 1000 Genomes Project 0.00020; 1000 Genomes Project 30x 0.00031.
gnomAD v4.1: 13 of 1,614,052 alleles (0.00081%); highest among the groups gnomAD compares: African/African-American, 0.0093%; no homozygotes.

Submission:

Labcorp Genetics (formerly Invitae), Labcorp
Classification: Uncertain significance for Paget disease of bone 2, early-onset; Frontotemporal dementia and/or amyotrophic lateral sclerosis 1. Last evaluated: 2025-12-10. Review status: criteria provided, single submitter. Criteria: Invitae Variant Classification Sherloc (09022015). Collection method: clinical testing. Allele origin: germline.
Comment: This sequence change replaces threonine, which is neutral and polar, with isoleucine, which is neutral and non-polar, at codon 84 of the SQSTM1 protein (p.Thr84Ile). This variant is present in population databases (rs539682696, gnomAD 0.02%). This variant has not been reported in the literature in individuals affected with SQSTM1-related conditions. ClinVar contains an entry for this variant (Variation ID: 951976). Invitae Evidence Modeling of protein sequence and biophysical properties (such as structural, functional, and spatial information, amino acid conservation, physicochemical variation, residue mobility, and thermodynamic stability) indicates that this missense variant is not expected to disrupt SQSTM1 protein function with a negative predictive value of 80%. In summary, the available evidence is currently insufficient to determine the role of this variant in disease. Therefore, it has been classified as a Variant of Uncertain Significance.

NM_003900.5(SQSTM1):c.251C>T (p.Thr84Ile)

Gene: SQSTM1 (sequestosome 1; plus strand). Cytogenetic location: 5q35.3.
Variant type: single nucleotide variant.
Coding change: c.251C>T on transcript NM_003900.5 (MANE Select); coding-DNA position 251, C replaced by T.
Protein change: p.Thr84Ile; replaces threonine 84 with isoleucine.
Molecular consequence: missense variant. On other transcripts: 5 prime UTR variant (2).
Genome position (GRCh38, 1-based): chr5:179,823,003, C>T. VCF-style: chr5-179823003-C-T. GRCh37 (hg19) VCF-style: chr5-179250003-C-T.
Other names: c.-2C>T (NM_001142298.2, NM_001142299.2); short protein forms T84I.
Identifiers: ClinVar variation 951976 (VCV000951976.7), dbSNP rs539682696, ClinGen allele CA3600428.